The following is an entry in ClinVar:

NM_198253.3(TERT):c.23G>T (p.Arg8Leu)

Genes: TERT (telomerase reverse transcriptase; minus strand), LOC110806263 (TERT 5' regulatory region; plus strand). Cytogenetic location: 5p15.33.
Variant type: single nucleotide variant.
Coding change: c.23G>T on transcript NM_198253.3 (MANE Select); coding-DNA position 23, G replaced by T.
Protein change: p.Arg8Leu; replaces arginine 8 with leucine.
Molecular consequence: missense variant. On other transcripts: non-coding transcript variant (2).
Genome position (GRCh38, 1-based): chr5:1,294,967, C>A on the plus strand (G>T on the coding strand, the complement: TERT is on the minus strand). VCF-style: chr5-1294967-C-A. GRCh37 (hg19) VCF-style: chr5-1295082-C-A.
Other names: c.23G>T, p.Arg8Leu (NM_001193376.3, NM_003219.1); short protein forms R8L.
Identifiers: ClinVar variation 3238557 (VCV003238557.1), dbSNP rs1379224925.

ClinVar aggregate classification (germline): Uncertain significance (1 of 4 stars; one submission).

Conditions:
Dyskeratosis congenita. Identifiers: Orphanet 1775, MedGen C0265965, MONDO:0015780.

Allele frequency attached by ClinVar (database versions not stated): TOPMed below 0.00001.

Submission:

Ambry Genetics
Classification: Uncertain significance for Dyskeratosis congenita. Last evaluated: 2024-02-25. Review status: criteria provided, single submitter. Criteria: Ambry Variant Classification Scheme 2023. Collection method: clinical testing. Allele origin: germline.
Comment: The p.R8L variant (also known as c.23G>T), located in coding exon 1 of the TERT gene, results from a G to T substitution at nucleotide position 23. The arginine at codon 8 is replaced by leucine, an amino acid with dissimilar properties. This amino acid position is conserved. In addition, this alteration is predicted to be tolerated by in silico analysis. Based on the available evidence, the clinical significance of this alteration remains unclear.